The following is an entry in ClinVar:

NM_001035.3(RYR2):c.8252C>T (p.Ser2751Phe)

Gene: RYR2 (ryanodine receptor 2; plus strand). Cytogenetic location: 1q43.
Variant type: single nucleotide variant.
Coding change: c.8252C>T on transcript NM_001035.3 (MANE Select); coding-DNA position 8252, C replaced by T.
Protein change: p.Ser2751Phe; replaces serine 2751 with phenylalanine.
Molecular consequence: missense variant.
Genome position (GRCh38, 1-based): chr1:237,660,028, C>T. VCF-style: chr1-237660028-C-T. GRCh37 (hg19) VCF-style: chr1-237823328-C-T.
Other names: short protein forms S2751F.
Identifiers: ClinVar variation 3610565 (VCV003610565.2).
Genomic context (GRCh38, chr1:237,660,028, plus strand): 5'-GTTTGCCTTTTTTTAAGTTGGCAAATGGATGGATTTATGGAGAAATATATTCAGACTCTT[C>T]TAAGGTTCAGCCATTAATGAAGCCATATAAGCTATTGTCTGAAAAGGTAAGGATTTTTTG-3'
Protein context (NP_001026.2, residues 2741-2761): WIYGEIYSDS[Ser2751Phe]KVQPLMKPYK

ClinVar aggregate classification (germline): Uncertain significance (1 of 4 stars; one submission).

Conditions:
Catecholaminergic polymorphic ventricular tachycardia 1. Also called: VENTRICULAR TACHYCARDIA, STRESS-INDUCED POLYMORPHIC 1; VENTRICULAR TACHYCARDIA, CATECHOLAMINERGIC POLYMORPHIC, 1, WITH OR WITHOUT ATRIAL DYSFUNCTION AND/OR DILATED CARDIOMYOPATHY; RYR2-Related Catecholaminergic Polymorphic Ventricular Tachycardia. Identifiers: Orphanet 3286, MedGen C1631597, MONDO:0011484, OMIM 604772.

gnomAD v4.1: 1 of 1,589,720 alleles (0.000063%); highest among the groups gnomAD compares: Non-Finnish European, 0.000085%; no homozygotes.

Submission:

Labcorp Genetics (formerly Invitae), Labcorp
Classification: Uncertain significance for Catecholaminergic polymorphic ventricular tachycardia 1. Last evaluated: 2025-01-07. Review status: criteria provided, single submitter. Criteria: Invitae Variant Classification Sherloc (09022015). Collection method: clinical testing. Allele origin: germline.
Comment: This sequence change replaces serine, which is neutral and polar, with phenylalanine, which is neutral and non-polar, at codon 2751 of the RYR2 protein (p.Ser2751Phe). This variant is not present in population databases (gnomAD no frequency). This variant has not been reported in the literature in individuals affected with RYR2-related conditions. Invitae Evidence Modeling of protein sequence and biophysical properties (such as structural, functional, and spatial information, amino acid conservation, physicochemical variation, residue mobility, and thermodynamic stability) indicates that this missense variant is not expected to disrupt RYR2 protein function with a negative predictive value of 95%. In summary, the available evidence is currently insufficient to determine the role of this variant in disease. Therefore, it has been classified as a Variant of Uncertain Significance.